The following is an entry in ClinVar:

ClinVar aggregate classification (germline): Uncertain significance (1 of 4 stars; one submission).

Conditions:
Inborn genetic diseases. Identifiers: MedGen C0950123, MeSH D030342.

gnomAD v4.1: 5 of 1,613,934 alleles (0.00031%); highest among the groups gnomAD compares: Non-Finnish European, 0.00042%; no homozygotes.

Submission:

Ambry Genetics
Classification: Uncertain significance for Inborn genetic diseases. Last evaluated: 2025-03-01. Review status: criteria provided, single submitter. Criteria: Ambry Variant Classification Scheme 2023. Collection method: clinical testing. Allele origin: germline.
Comment: The p.S393N variant (also known as c.1178G>A), located in coding exon 9 of the DNMT3A gene, results from a G to A substitution at nucleotide position 1178. The serine at codon 393 is replaced by asparagine, an amino acid with highly similar properties. This amino acid position is conserved. In addition, this alteration is predicted to be tolerated by in silico analysis. Based on the available evidence, the clinical significance of this variant remains unclear.

NM_022552.5(DNMT3A):c.1178G>A (p.Ser393Asn)

Gene: DNMT3A (DNA methyltransferase 3 alpha; minus strand). Cytogenetic location: 2p23.3.
Variant type: single nucleotide variant.
Coding change: c.1178G>A on transcript NM_022552.5 (MANE Select); coding-DNA position 1178, G replaced by A.
Protein change: p.Ser393Asn; replaces serine 393 with asparagine.
Molecular consequence: missense variant. On other transcripts: non-coding transcript variant (1).
Genome position (GRCh38, 1-based): chr2:25,246,721, C>T on the plus strand (G>A on the coding strand, the complement: DNMT3A is on the minus strand). VCF-style: chr2-25246721-C-T. GRCh37 (hg19) VCF-style: chr2-25469590-C-T.
Other names: c.722G>A, p.Ser241Asn (NM_001320893.1); c.509G>A, p.Ser170Asn (NM_001375819.1); c.611G>A, p.Ser204Asn (NM_153759.3); c.1178G>A, p.Ser393Asn (NM_175629.2); short protein forms S204N, S241N, S170N, S393N.
Identifiers: ClinVar variation 3841807 (VCV003841807.1).
Genomic context (GRCh38, chr2:25,246,721, plus strand): 5'-CCCCCCAGGGCCCATTCAATCATGGGCTTGTTCTGCACCTCCACGGCCTTGGCAGTGTCA[C>T]TCTCATCGCTGTCGTGGCACACCGGGAACAGCTTCCCCGCGCGGCTGCTGGCCACCTGGA-3'
Protein context (NP_072046.2, residues 383-403): LFPVCHDSDE[Ser393Asn]DTAKAVEVQN